The following is an entry in ClinVar:

NM_007294.4(BRCA1):c.3375_3376del (p.Pro1126fs)

Genes: BRCA1 (BRCA1 DNA repair associated; minus strand), LOC126862571 (BRD4-independent group 4 enhancer GRCh37_chr17:41243136-41244335; plus strand). Cytogenetic location: 17q21.31.
Variant type: Microsatellite.
Coding change: c.3375_3376del on transcript NM_007294.4 (MANE Select); coding-DNA positions 3375 to 3376, 2 bases deleted (TC; older notation c.3375_3376delTC).
Protein change: p.Pro1126fs; shifts the reading frame from proline 1126.
Molecular consequence: frameshift variant. On other transcripts: intron variant (137).
Genome position (GRCh38, 1-based): chr17:43,092,155-43,092,156, GA deleted on the plus strand (TC on the coding strand, the reverse complement: BRCA1 is on the minus strand); deleting any 2 consecutive bases within chr17:43,092,155-43,092,160 gives the same sequence; the c. name uses the placement nearest the transcript's 3' end. VCF-style (leftmost placement, unchanged base first): chr17-43092154-GGA-G. GRCh37 (hg19) VCF-style: chr17-41244171-GGA-G.
Other names: 3494delTC; c.3375_3376delTC (NM_007294.3); c.3234_3235del, p.Pro1079fs (NM_001407750.1, NM_001407751.1, NM_001407752.1 and 29 more transcripts); c.3231_3232del, p.Pro1078fs (NM_001407838.1, NM_001407839.1, NM_001407841.1 and 20 more transcripts); c.3162_3163del, p.Pro1055fs (NM_001407853.1, NM_001407894.1, NM_001407895.1 and 9 more transcripts); c.3375_3376del, p.Pro1126fs (NM_001407854.1, NM_001407858.1, NM_001407859.1 and 30 more transcripts); c.3372_3373del, p.Pro1125fs (NM_001407860.1, NM_001407861.1, NM_001407587.1 and 22 more transcripts); c.3174_3175del, p.Pro1059fs (NM_001407862.1); and 43 more; short protein forms P1126fs, P1079fs, P1037fs, P1055fs, P1056fs, P1058fs, P1085fs, P998fs.
Identifiers: ClinVar variation 54861 (VCV000054861.29), dbSNP rs80357828, ClinGen allele CA002187.

ClinVar aggregate classification (germline): Pathogenic. Review status: reviewed by expert panel (3 of 4 stars). 11 submissions from 11 submitters: Pathogenic (1). 10 of the submissions do not count toward it. Last evaluated 2016-09-08.

Conditions:
Hereditary cancer-predisposing syndrome. Also called: Tumor predisposition; Neoplastic Syndromes, Hereditary; Hereditary Cancer Syndrome; Hereditary neoplastic syndrome. Identifiers: Orphanet 140162, MedGen C0027672, MeSH D009386, MONDO:0015356.
Ovarian cancer. Also called: OVARIAN CANCER, SOMATIC. Identifiers: Orphanet 213500, MedGen C1140680, MONDO:0008170, OMIM 167000.
Hereditary breast ovarian cancer syndrome. Also called: Hereditary breast and ovarian cancer syndrome (HBOC); Hereditary breast and ovarian cancer syndrome; Hereditary breast and ovarian cancer; Hereditary breast and/or ovarian cancer syndrome; Breast and ovarian cancer; BRCA1- and BRCA2-Associated Hereditary Breast and Ovarian Cancer. Identifiers: Orphanet 145, MedGen C0677776, MeSH D061325, MONDO:0003582. Disease mechanism: loss of function.
Breast-ovarian cancer, familial, susceptibility to, 1 (BROVCA1). Also called: OVARIAN CANCER, SUSCEPTIBILITY TO; BRCA1 Hereditary Breast and Ovarian Cancer. Identifiers: Orphanet 145, MedGen C2676676, MONDO:0011450, OMIM 604370. Disease mechanism: loss of function.

Submissions (11):

Evidence-based Network for the Interpretation of Germline Mutant Alleles (ENIGMA)
Classification: Pathogenic for Breast-ovarian cancer, familial, susceptibility to, 1. Last evaluated: 2016-09-08. Review status: reviewed by expert panel. Criteria: ENIGMA BRCA1/2 Classification Criteria (2015). Collection method: curation. Allele origin: germline.
Comment: Variant allele predicted to encode a truncated non-functional protein.

Labcorp Genetics (formerly Invitae), Labcorp
Classification: Pathogenic for Hereditary breast ovarian cancer syndrome. Last evaluated: 2025-11-19. Review status: criteria provided, single submitter. Criteria: Invitae Variant Classification Sherloc (09022015). Collection method: clinical testing. Allele origin: germline. Not counted in ClinVar's aggregate classification.
Comment: This sequence change creates a premature translational stop signal (p.Pro1126Ilefs*6) in the BRCA1 gene. It is expected to result in an absent or disrupted protein product. Loss-of-function variants in BRCA1 are known to be pathogenic (PMID: 20104584). This variant is not present in population databases (gnomAD no frequency). This premature translational stop signal has been observed in individual(s) with breast and/or ovarian cancer (PMID: 10804288, 22434525, 23536787, 24010542). This variant is also known as 3494delTC. For these reasons, this variant has been classified as Pathogenic.

Ambry Genetics
Classification: Pathogenic for Hereditary cancer-predisposing syndrome. Last evaluated: 2024-05-22. Review status: criteria provided, single submitter. Criteria: Ambry Variant Classification Scheme 2023. Collection method: clinical testing. Allele origin: germline. Not counted in ClinVar's aggregate classification.
Comment: The c.3375_3376delTC pathogenic mutation, located in coding exon 9 of the BRCA1 gene, results from a deletion of two nucleotides at nucleotide positions 3375 to 3376, causing a translational frameshift with a predicted alternate stop codon (p.P1126Ifs*6). This alteration has been seen in families with breast and/or ovarian cancer (Kashima K et al. Jpn. J. Cancer Res., 2000 Apr;91:399-409; Ikeda N et al. Int. J. Cancer, 2001 Jan;91:83-8; Fostira F et al. J. Med. Genet., 2019 Jul). Additionally, this alteration was identified in a large, worldwide study of BRCA1/2 mutation positive families and in patients referred for genetic testing (Apessos A et al. Cancer Genet, 2018 01;220:1-12; Rebbeck TR et al. Hum. Mutat., 2018 05;39:593-620). Of note, this alteration is also designated as 3494delTC and 3493delCT in published literature. This variant is considered to be rare based on population cohorts in the Genome Aggregation Database (gnomAD). In addition to the clinical data presented in the literature, this alteration is expected to result in loss of function by premature protein truncation or nonsense-mediated mRNA decay. As such, this alteration is interpreted as a disease-causing mutation.

Color Diagnostics, LLC DBA Color Health
Classification: Pathogenic for Hereditary cancer-predisposing syndrome. Last evaluated: 2023-06-28. Review status: criteria provided, single submitter. Criteria: ACMG Guidelines, 2015. Collection method: clinical testing. Allele origin: germline. Not counted in ClinVar's aggregate classification.
Comment: This variant deletes 2 nucleotides in exon 10 of the BRCA1 gene, creating a frameshift and premature translation stop signal. This variant is expected to result in an absent or non-functional protein product. This variant has been reported in individuals affected with breast cancer (PMID: 22434525, 24010542, 31300551) and ovarian cancer (PMID: 10804288, 23536787). This variant has not been identified in the general population by the Genome Aggregation Database (gnomAD). Loss of BRCA1 function is a known mechanism of disease. Based on the available evidence, this variant is classified as Pathogenic.

Women's Health and Genetics/Laboratory Corporation of America, LabCorp
Classification: Pathogenic for Hereditary breast and ovarian cancer syndrome. Last evaluated: 2020-07-13. Review status: criteria provided, single submitter. Criteria: LabCorp Variant Classification Summary - May 2015. Collection method: clinical testing. Allele origin: germline. Not counted in ClinVar's aggregate classification.
Comment: Variant summary: BRCA1 c.3375_3376delTC (p.Pro1126IlefsX6) results in a premature termination codon, predicted to cause a truncation of the encoded protein or absence of the protein due to nonsense mediated decay, which are commonly known mechanisms for disease. Truncations downstream of this position have been classified as pathogenic by our laboratory. The variant was absent in 250460 control chromosomes. c.3375_3376delTC has been reported in the literature in multiple individuals affected with Hereditary Breast And Ovarian Cancer Syndrome including evidence for cosegregation with disease in a family (e.g. Kashima_2000, Ikeda_2001, Judkins_2005, Razis_2009, Fostira_2012, Stavropoulou_2013). Nine submitters via ClinVar have submitted clinical-significance assessments for this variant to ClinVar after 2014 without evidence for independent evaluation. All laboratories classified the variant as pathogenic. Based on the evidence outlined above, the variant was classified as pathogenic.

GeneDx
Classification: Pathogenic. Last evaluated: 2019-01-10. Review status: criteria provided, single submitter. Criteria: GeneDx Variant Classification (06012015). Collection method: clinical testing. Allele origin: germline. Affected: yes. Not counted in ClinVar's aggregate classification.
Comment: This deletion of two nucleotides in BRCA1 is denoted c.3375_3376delTC at the cDNA level and p.Pro1126IlefsX6 (P1126IfsX6) at the protein level. The normal sequence, with the bases that are deleted in brackets, is TCTC[delTC]CATA. The deletion causes a frameshift which changes a Proline to an Isoleucine at codon 1126, and creates a premature stop codon at position 6 of the new reading frame. This variant is predicted to cause loss of normal protein function through either protein truncation or nonsense-mediated mRNA decay. BRCA1 c.3375_3376delTC, also published as 3494delTC using alternate nomenclature, has been observed in several breast and ovarian cancer families (Kashima 2000, Fostira 2012, Stavropoulou 2013, Konstantopoulou 2014). We consider this variant to be pathogenic.

Quest Diagnostics Nichols Institute San Juan Capistrano
Classification: Pathogenic. Last evaluated: 2018-02-08. Review status: criteria provided, single submitter. Criteria: Quest Diagnostics criteria. Collection method: clinical testing. Allele origin: germline. Not counted in ClinVar's aggregate classification.

GeneKor MSA
Classification: Pathogenic for Ovarian cancer. Last evaluated: 2016-07-01. Review status: criteria provided, single submitter. Criteria: ACMG Guidelines, 2015. Collection method: clinical testing. Allele origin: germline. Affected: yes. Not counted in ClinVar's aggregate classification.

Consortium of Investigators of Modifiers of BRCA1/2 (CIMBA), c/o University of Cambridge
Classification: Pathogenic for Breast-ovarian cancer, familial, susceptibility to, 1. Last evaluated: 2015-10-02. Review status: criteria provided, single submitter. Criteria: CIMBA Mutation Classification guidelines May 2016. Collection method: clinical testing. Allele origin: germline. Not counted in ClinVar's aggregate classification.

Counsyl
Classification: Pathogenic for Breast-ovarian cancer, familial, susceptibility to, 1. Last evaluated: 2017-04-21. Review status: no assertion criteria provided. Collection method: clinical testing. Allele origin: unknown. Not counted in ClinVar's aggregate classification.

Breast Cancer Information Core (BIC) (BRCA1)
Classification: Pathogenic for Breast-ovarian cancer, familial 1. Last evaluated: 2004-11-25. Review status: no assertion criteria provided. Collection method: clinical testing. Allele origin: germline. Affected: yes. Observed: 1 variant allele. Not counted in ClinVar's aggregate classification.

Literature cited by the submitters: PubMed 20104584 (cited by Labcorp Genetics (formerly Invitae), Labcorp); PubMed 10804288 (cited by 4 submitters); PubMed 22434525 (cited by 4 submitters); PubMed 23536787 (cited by 4 submitters); PubMed 24010542 (cited by 4 submitters); PubMed 11149425 (cited by Ambry Genetics and Women's Health and Genetics/Laboratory Corporation of America, LabCorp); PubMed 16267036 (cited by 3 submitters); PubMed 29310832 (cited by Ambry Genetics); PubMed 29446198 (cited by Ambry Genetics); PubMed 31209999 (cited by Ambry Genetics); PubMed 31300551 (cited by Ambry Genetics and Color Diagnostics, LLC DBA Color Health); PubMed 19656998 (cited by Women's Health and Genetics/Laboratory Corporation of America, LabCorp).